The following is an entry in ClinVar:

ClinVar aggregate classification (germline): Likely benign (1 of 4 stars; one submission).

Submission:

CeGaT Center for Human Genetics Tuebingen
Classification: Likely benign. Last evaluated: 2022-10-01. Review status: criteria provided, single submitter. Criteria: CeGaT Center For Human Genetics Tuebingen Variant Classification Criteria Version 2. Collection method: clinical testing. Allele origin: germline. Affected: yes. Observed: 1 variant allele.
Comment: SLC22A20P: BS2

NR_033396.1(SLC22A20):n.620G>A

Variant type: single nucleotide variant.
Molecular consequence: non-coding transcript variant (on NR_033396.1).
Genome position: GRCh38 VCF-style: chr11-65217636-G-A. GRCh37 (hg19) VCF-style: chr11-64985107-G-A.
Identifiers: ClinVar variation 2641952 (VCV002641952.23), dbSNP rs146240427, ClinGen allele CA6093951.